The following is an entry in ClinVar:

ClinVar aggregate classification (germline): Uncertain significance (1 of 4 stars; one submission).

Conditions:
Citrullinemia. Identifiers: Orphanet 187, MedGen C0175683, MONDO:0015991.

Allele frequency attached by ClinVar (database versions not stated): gnomAD exomes below 0.00001 and 0.00001; TOPMed 0.00001.
gnomAD v4.1: 4 of 1,614,070 alleles (0.00025%); highest among the groups gnomAD compares: Admixed American, 0.0017%; no homozygotes.

Submission:

Labcorp Genetics (formerly Invitae), Labcorp
Classification: Uncertain significance for Citrullinemia. Last evaluated: 2021-09-01. Review status: criteria provided, single submitter. Criteria: Invitae Variant Classification Sherloc (09022015). Collection method: clinical testing. Allele origin: germline.
Comment: This sequence change replaces tyrosine with cysteine at codon 29 of the ASS1 protein (p.Tyr29Cys). The tyrosine residue is highly conserved and there is a large physicochemical difference between tyrosine and cysteine. This variant is not present in population databases (ExAC no frequency). This missense change has been observed in individual(s) with citrullinemia type I (Invitae). Algorithms developed to predict the effect of missense changes on protein structure and function (SIFT, PolyPhen-2, Align-GVGD) all suggest that this variant is likely to be disruptive. In summary, the available evidence is currently insufficient to determine the role of this variant in disease. Therefore, it has been classified as a Variant of Uncertain Significance.

NM_054012.4(ASS1):c.86A>G (p.Tyr29Cys)

Gene: ASS1 (argininosuccinate synthase 1; plus strand). Cytogenetic location: 9q34.11.
Variant type: single nucleotide variant.
Coding change: c.86A>G on transcript NM_054012.4 (MANE Select); coding-DNA position 86, A replaced by G.
Protein change: p.Tyr29Cys; replaces tyrosine 29 with cysteine.
Molecular consequence: missense variant.
Genome position (GRCh38, 1-based): chr9:130,452,314, A>G. VCF-style: chr9-130452314-A-G. GRCh37 (hg19) VCF-style: chr9-133327701-A-G.
Other names: c.86A>G, p.Tyr29Cys (NM_000050.4); short protein forms Y29C.
Identifiers: ClinVar variation 1001541 (VCV001001541.2), dbSNP rs1457270102, ClinGen allele CA375223632.